The following is an entry in ClinVar:

ClinVar aggregate classification (germline): Uncertain significance (1 of 4 stars; one submission).

Submission:

Women's Health and Genetics/Laboratory Corporation of America, LabCorp
Classification: Uncertain significance. Last evaluated: 2025-03-27. Review status: criteria provided, single submitter. Criteria: LabCorp Variant Classification Summary - May 2015. Collection method: clinical testing. Allele origin: germline.
Comment: Variant summary: The variant involves the duplication of exons 4-5 in the CHRM3 gene. A presumed nomenclature of c.(-147+1_-146-1)_(*6227_?)dup has been designated for the purposes of this classification. This duplication includes the entire coding sequence of the gene. As exact breakpoints are unknown, it may extend beyond the annotated region of the gene, to include other flanking genes. A large duplication that includes exons 4-5 of the CHRM3 gene (and extends further downstream affecting the 5' end of the FMN2 gene) was found at a frequency of 1.7e-05 in 120780 control chromosomes in the gnomAD database (Structural Variants v4.1 dataset). The available data on variant occurrences in the general population are insufficient to allow any conclusion about variant significance. To our knowledge, no occurrence of c.(-147+1_-146-1)_(*6227_?)dup in individuals affected with Prune Belly Syndrome and no experimental evidence demonstrating its impact on protein function have been reported. No submitters have cited clinical-significance assessments for this variant to ClinVar. Based on the evidence outlined above, the variant was classified as uncertain significance.

NC_000001.10:g.(239841589_239990551)_(240078751_?)dup

Gene: CHRM3 (cholinergic receptor muscarinic 3; plus strand). Cytogenetic location: 1q43.
Variant type: Duplication.
Identifiers: ClinVar variation 3895901 (VCV003895901.1).